The following is an entry in ClinVar:

NM_130849.4(SLC39A4):c.1287+1G>A

Gene: SLC39A4 (solute carrier family 39 member 4; minus strand). Cytogenetic location: 8q24.3.
Variant type: single nucleotide variant.
Coding change: c.1287+1G>A on transcript NM_130849.4 (MANE Select); the canonical splice donor site of the intron after coding-DNA position 1287, G replaced by A.
Molecular consequence: splice donor variant.
Genome position (GRCh38, 1-based): chr8:144,413,957, C>T on the plus strand (G>A on the coding strand, the complement: SLC39A4 is on the minus strand). VCF-style: chr8-144413957-C-T. GRCh37 (hg19) VCF-style: chr8-145639341-C-T.
Other names: c.1005+1G>A (NM_001374839.1); c.1212+1G>A (NM_017767.3).
Identifiers: ClinVar variation 1472529 (VCV001472529.9), dbSNP rs1554872740, ClinGen allele CA372619596.

ClinVar aggregate classification (germline): Likely pathogenic. Review status: criteria provided, multiple submitters, no conflicts (2 of 4 stars). 2 submissions from 2 submitters: Likely pathogenic (2). Last evaluated 2024-09-12.

Conditions:
Hereditary acrodermatitis enteropathica (AEZ). Also called: Acrodermatitis enteropathica. Identifiers: Orphanet 37, MedGen C0221036, MONDO:0008713, OMIM 201100.

Allele frequency attached by ClinVar (database versions not stated): TOPMed below 0.00001.
gnomAD v4.1: 2 of 1,610,674 alleles (0.00012%); highest among the groups gnomAD compares: Non-Finnish European, 0.00017%; no homozygotes.

Submissions (2):

Revvity Omics, Revvity
Classification: Likely pathogenic for Hereditary acrodermatitis enteropathica. Last evaluated: 2024-09-12. Review status: criteria provided, single submitter. Criteria: ACMG Guidelines, 2015. Collection method: clinical testing. Allele origin: germline.

Labcorp Genetics (formerly Invitae), Labcorp
Classification: Likely pathogenic. Last evaluated: 2023-11-25. Review status: criteria provided, single submitter. Criteria: Invitae Variant Classification Sherloc (09022015). Collection method: clinical testing. Allele origin: germline.
Comment: This sequence change affects a donor splice site in intron 7 of the SLC39A4 gene. It is expected to disrupt RNA splicing. Variants that disrupt the donor or acceptor splice site typically lead to a loss of protein function (PMID: 16199547), and loss-of-function variants in SLC39A4 are known to be pathogenic (PMID: 12955721). This variant is not present in population databases (gnomAD no frequency). Disruption of this splice site has been observed in individual(s) with acrodermatitis enteropathica (PMID: 21165302). ClinVar contains an entry for this variant (Variation ID: 1472529). Algorithms developed to predict the effect of sequence changes on RNA splicing suggest that this variant may disrupt the consensus splice site. In summary, the currently available evidence indicates that the variant is pathogenic, but additional data are needed to prove that conclusively. Therefore, this variant has been classified as Likely Pathogenic.

Literature cited by the submitters: PubMed 16199547 (cited by Labcorp Genetics (formerly Invitae), Labcorp); PubMed 12955721 (cited by Labcorp Genetics (formerly Invitae), Labcorp); PubMed 21165302 (cited by Labcorp Genetics (formerly Invitae), Labcorp).